The following is an entry in ClinVar:

ClinVar aggregate classification (germline): Pathogenic (1 of 4 stars; one submission).

Conditions:
Kabuki syndrome. Also called: Kabuki make-up syndrome; NIIKAWA-KUROKI SYNDROME. Identifiers: Orphanet 2322, MedGen C0796004, MONDO:0016512.

Submission:

Labcorp Genetics (formerly Invitae), Labcorp
Classification: Pathogenic for Kabuki syndrome. Last evaluated: 2019-07-23. Review status: criteria provided, single submitter. Criteria: Invitae Variant Classification Sherloc (09022015). Collection method: clinical testing. Allele origin: germline.
Comment: This variant is not present in population databases (ExAC no frequency). This sequence change creates a premature translational stop signal (p.Ser4393Lysfs*17) in the KMT2D gene. It is expected to result in an absent or disrupted protein product. This variant has not been reported in the literature in individuals with KMT2D-related conditions. For these reasons, this variant has been classified as Pathogenic. Loss-of-function variants in KMT2D are known to be pathogenic (PMID: 22126750).

Literature cited by the submitters: PubMed 22126750.

NM_003482.4(KMT2D):c.13177dup (p.Ser4393fs)

Gene: KMT2D (lysine methyltransferase 2D; minus strand). Cytogenetic location: 12q13.12.
Variant type: Duplication.
Coding change: c.13177dup on transcript NM_003482.4 (MANE Select); coding-DNA position 13177, one base duplicated (A; older notation c.13177dupA).
Protein change: p.Ser4393fs; shifts the reading frame from serine 4393.
Molecular consequence: frameshift variant.
Genome position (GRCh38, 1-based): chr12:49,031,528, T duplicated on the plus strand (A on the coding strand, the reverse complement: KMT2D is on the minus strand). VCF-style (leftmost placement, unchanged base first): chr12-49031527-C-CT. GRCh37 (hg19) VCF-style: chr12-49425310-C-CT.
Other names: short protein forms S4393fs.
Identifiers: ClinVar variation 940873 (VCV000940873.7), dbSNP rs1942910047, ClinGen allele CA1139662662.